The following is an entry in ClinVar:

NM_004655.4(AXIN2):c.321C>T (p.Thr107=)

Gene: AXIN2 (axin 2; minus strand). Cytogenetic location: 17q24.1.
Variant type: single nucleotide variant.
Coding change: c.321C>T on transcript NM_004655.4 (MANE Select); coding-DNA position 321, C replaced by T.
Protein change: p.Thr107=; no amino-acid change (threonine 107 retained).
Molecular consequence: synonymous variant.
Genome position (GRCh38, 1-based): chr17:65,558,300, G>A on the plus strand (C>T on the coding strand, the complement: AXIN2 is on the minus strand). VCF-style: chr17-65558300-G-A. GRCh37 (hg19) VCF-style: chr17-63554418-G-A.
Other names: c.321C>T, p.Thr107= (NM_001363813.1); c.321C>T (LRG_296t1).
Identifiers: ClinVar variation 415239 (VCV000415239.15), dbSNP rs1060504492, ClinGen allele CA16615634.

ClinVar aggregate classification (germline): Benign/Likely benign. Review status: criteria provided, multiple submitters, no conflicts (2 of 4 stars). 4 submissions from 4 submitters: Benign (1); Likely benign (3). Last evaluated 2025-10-26.

Conditions:
Hereditary cancer-predisposing syndrome. Also called: Tumor predisposition; Neoplastic Syndromes, Hereditary; Hereditary neoplastic syndrome; Hereditary Cancer Syndrome. Identifiers: Orphanet 140162, MedGen C0027672, MeSH D009386, MONDO:0015356.
Oligodontia-cancer predisposition syndrome. Also called: TOOTH AGENESIS-COLORECTAL CANCER SYNDROME. Identifiers: Orphanet 300576, MedGen C1837750, MONDO:0012075, OMIM 608615. Disease mechanism: loss of function.

Allele frequency attached by ClinVar (database versions not stated): gnomAD exomes below 0.00001; TOPMed below 0.00001; gnomAD 0.00001.
gnomAD v4.1: 1 of 1,614,000 alleles (0.000062%); highest among the groups gnomAD compares: Non-Finnish European, 0.000085%; no homozygotes.

Submissions (4):

Labcorp Genetics (formerly Invitae), Labcorp
Classification: Likely benign for Oligodontia-cancer predisposition syndrome. Last evaluated: 2025-10-26. Review status: criteria provided, single submitter. Criteria: Invitae Variant Classification Sherloc (09022015). Collection method: clinical testing. Allele origin: germline.

Myriad Genetics, Inc.
Classification: Benign for Oligodontia-cancer predisposition syndrome. Last evaluated: 2024-06-26. Review status: criteria provided, single submitter. Criteria: Myriad Autosomal Dominant, Autosomal Recessive and X-Linked Classification Criteria (2023). Collection method: clinical testing. Allele origin: unknown.
Comment: This variant is considered benign. This variant is a silent/synonymous amino acid change and it is not expected to impact splicing.

Ambry Genetics
Classification: Likely benign for Hereditary cancer-predisposing syndrome. Last evaluated: 2019-09-14. Review status: criteria provided, single submitter. Criteria: Ambry Variant Classification Scheme 2023. Collection method: clinical testing. Allele origin: germline.

GeneDx
Classification: Likely benign. Last evaluated: 2018-01-16. Review status: criteria provided, single submitter. Criteria: GeneDx Variant Classification (06012015). Collection method: clinical testing. Allele origin: germline. Affected: yes.
Comment: This variant is considered likely benign or benign based on one or more of the following criteria: it is a conservative change, it occurs at a poorly conserved position in the protein, it is predicted to be benign by multiple in silico algorithms, and/or has population frequency not consistent with disease.